The following is an entry in ClinVar:

NM_152564.5(VPS13B):c.3666+1G>T

Gene: VPS13B (vacuolar protein sorting 13 homolog B; plus strand). Cytogenetic location: 8q22.2.
Variant type: single nucleotide variant.
Coding change: c.3666+1G>T on transcript NM_152564.5 (MANE Select); the canonical splice donor site of the intron after coding-DNA position 3666, G replaced by T.
Molecular consequence: splice donor variant.
Genome position (GRCh38, 1-based): chr8:99,467,635, G>T. VCF-style: chr8-99467635-G-T. GRCh37 (hg19) VCF-style: chr8-100479863-G-T.
Other names: c.3666+1G>T (NM_017890.5).
Identifiers: ClinVar variation 552169 (VCV000552169.4), dbSNP rs1554807146, ClinGen allele CA371866364.

ClinVar aggregate classification (germline): Pathogenic. Review status: criteria provided, single submitter (1 of 4 stars). 2 submissions from 2 submitters: Pathogenic (1). 1 of the submissions does not count toward it.

Conditions:
Cohen syndrome (COH1). Also called: PEPPER SYNDROME; Cutis verticis gyrata, retinitis pigmentosa, and sensorineural deafness. Identifiers: Orphanet 193, MedGen C0265223, MONDO:0008999, OMIM 216550.

Allele frequency attached by ClinVar (database versions not stated): TOPMed 0.00001.

Submissions (2):

Juno Genomics, Hangzhou Juno Genomics, Inc
Classification: Pathogenic for Cohen syndrome. Review status: criteria provided, single submitter. Criteria: ACMG Guidelines, 2015. Collection method: clinical testing. Allele origin: germline.
Comment: Absent from controls (or at extremely low frequency if recessive) in Genome Aggregation Database.;Null variant in a gene where loss of function (LOF) is a known mechanism of disease.;For recessive disorders, detected in trans with a pathogenic variant.;Co-segregation with disease in multiple affected family members.

Counsyl
Classification: Likely pathogenic for Cohen syndrome. Last evaluated: 2017-05-24. Review status: no assertion criteria provided. Collection method: clinical testing. Allele origin: unknown. Not counted in ClinVar's aggregate classification.